The following is an entry in ClinVar:

ClinVar aggregate classification (germline): Benign/Likely benign. Review status: criteria provided, multiple submitters, no conflicts (2 of 4 stars). 3 submissions from 3 submitters: Benign (2); Likely benign (1). Last evaluated 2025-08-13.

Conditions:
MYO9A-related disorder. Also called: MYO9A-related condition.

Allele frequency attached by ClinVar (database versions not stated): ESP Exome Variant Server 0.00008; gnomAD 0.00062 and 0.00153; TOPMed 0.00102; gnomAD exomes 0.00144 and 0.00397; ExAC 0.00416; 1000 Genomes Project 30x 0.00968; 1000 Genomes Project 0.01098.
gnomAD v4.1: 2,382 of 1,614,046 alleles (0.15%); highest among the groups gnomAD compares: East Asian, 1.7%; 33 homozygotes.

Submissions (3):

PreventionGenetics, part of Exact Sciences
Classification: Likely benign for MYO9A-related condition. Last evaluated: 2025-08-13. Review status: criteria provided, single submitter. Criteria: ACMG Guidelines, 2015. Collection method: clinical testing. Allele origin: germline.
Comment: This variant is classified as likely benign based on ACMG/AMP sequence variant interpretation guidelines (Richards et al. 2015 PMID: 25741868, with internal and published modifications).

Labcorp Genetics (formerly Invitae), Labcorp
Classification: Benign. Last evaluated: 2019-12-31. Review status: criteria provided, single submitter. Criteria: Invitae Variant Classification Sherloc (09022015). Collection method: clinical testing. Allele origin: germline.

Breakthrough Genomics
Classification: Benign. Review status: criteria provided, single submitter. Criteria: ACMG Guidelines, 2015. Collection method: not provided. Allele origin: germline. Inheritance: Autosomal recessive inheritance. Affected: yes.

NM_006901.4(MYO9A):c.6532T>A (p.Ser2178Thr)

Gene: MYO9A (myosin IXA; minus strand). Cytogenetic location: 15q23.
Variant type: single nucleotide variant.
Coding change: c.6532T>A on transcript NM_006901.4 (MANE Select); coding-DNA position 6532, T replaced by A.
Protein change: p.Ser2178Thr; replaces serine 2178 with threonine.
Molecular consequence: missense variant.
Genome position (GRCh38, 1-based): chr15:71,851,302, A>T on the plus strand (T>A on the coding strand, the complement: MYO9A is on the minus strand). VCF-style: chr15-71851302-A-T. GRCh37 (hg19) VCF-style: chr15-72143643-A-T.
Other names: short protein forms S2178T.
Identifiers: ClinVar variation 731843 (VCV000731843.6), dbSNP rs80028569, ClinGen allele CA7640856.